The following is an entry in ClinVar:

NM_001377.3(DYNC2H1):c.10696-207G>T

Gene: DYNC2H1 (dynein cytoplasmic 2 heavy chain 1; plus strand). Cytogenetic location: 11q22.3.
Variant type: single nucleotide variant.
Coding change: c.10696-207G>T on transcript NM_001377.3 (MANE Select); 207 bases into the intron before coding-DNA position 10696, G replaced by T.
Molecular consequence: intron variant.
Genome position (GRCh38, 1-based): chr11:103,280,141, G>T. VCF-style: chr11-103280141-G-T. GRCh37 (hg19) VCF-style: chr11-103150870-G-T.
Other names: c.10717-207G>T (NM_001080463.2).
Identifiers: ClinVar variation 669456 (VCV000669456.1), dbSNP rs1386999, ClinGen allele CA15698460.

ClinVar aggregate classification (germline): Benign (1 of 4 stars; one submission).

Allele frequency attached by ClinVar (database versions not stated): 1000 Genomes Project 30x 0.36337; TOPMed 0.34008; 1000 Genomes Project 0.36202.
gnomAD v4.1: 52,337 of 151,878 alleles (34%); highest among the groups gnomAD compares: African/African-American, 45%; 9,504 homozygotes.

Submission:

GeneDx
Classification: Benign. Last evaluated: 2018-06-14. Review status: criteria provided, single submitter. Criteria: GeneDx Variant Classification (06012015). Collection method: clinical testing. Allele origin: germline. Affected: yes.
Comment: This variant is considered likely benign or benign based on one or more of the following criteria: it is a conservative change, it occurs at a poorly conserved position in the protein, it is predicted to be benign by multiple in silico algorithms, and/or has population frequency not consistent with disease.